The following is an entry in ClinVar:

ClinVar aggregate classification (germline): Uncertain significance (1 of 4 stars; one submission).

Submission:

Labcorp Genetics (formerly Invitae), Labcorp
Classification: Uncertain significance. Last evaluated: 2022-04-24. Review status: criteria provided, single submitter. Criteria: Invitae Variant Classification Sherloc (09022015). Collection method: clinical testing. Allele origin: germline.
Comment: This variant has not been reported in the literature in individuals affected with CDH23-related conditions. In summary, the available evidence is currently insufficient to determine the role of this variant in disease. Therefore, it has been classified as a Variant of Uncertain Significance. Algorithms developed to predict the effect of missense changes on protein structure and function are either unavailable or do not agree on the potential impact of this missense change (SIFT: "Deleterious"; PolyPhen-2: "Not Available"; Align-GVGD: "Class C65"). This variant is not present in population databases (gnomAD no frequency). This sequence change replaces valine, which is neutral and non-polar, with glycine, which is neutral and non-polar, at codon 1620 of the CDH23 protein (p.Val1620Gly).

NM_022124.6(CDH23):c.4859T>G (p.Val1620Gly)

Gene: CDH23 (cadherin related 23; plus strand). Cytogenetic location: 10q22.1.
Variant type: single nucleotide variant.
Coding change: c.4859T>G on transcript NM_022124.6 (MANE Select); coding-DNA position 4859, T replaced by G.
Protein change: p.Val1620Gly; replaces valine 1620 with glycine.
Molecular consequence: missense variant.
Genome position (GRCh38, 1-based): chr10:71,777,693, T>G. VCF-style: chr10-71777693-T-G. GRCh37 (hg19) VCF-style: chr10-73537450-T-G.
Other names: short protein forms V1620G.
Identifiers: ClinVar variation 1968253 (VCV001968253.5), dbSNP rs2494337838, ClinGen allele CA377139917.